The following is an entry in ClinVar:

NM_001292063.2(OTOG):c.6508A>G (p.Ile2170Val)

Gene: OTOG (otogelin; plus strand). Cytogenetic location: 11p15.1.
Variant type: single nucleotide variant.
Coding change: c.6508A>G on transcript NM_001292063.2 (MANE Select); coding-DNA position 6508, A replaced by G.
Protein change: p.Ile2170Val; replaces isoleucine 2170 with valine.
Molecular consequence: missense variant.
Genome position (GRCh38, 1-based): chr11:17,613,681, A>G. VCF-style: chr11-17613681-A-G. GRCh37 (hg19) VCF-style: chr11-17635228-A-G.
Other names: c.6544A>G, p.Ile2182Val (NM_001277269.2); short protein forms I2170V, I2182V.
Identifiers: ClinVar variation 1712171 (VCV001712171.2), dbSNP rs1853654686, ClinGen allele CA379805416.
Genomic context (GRCh38, chr11:17,613,681, plus strand): 5'-AACTGGCCCCCGTTCTGTCTGGTGATGTTGAACATGACTCACTTGGCCCATCAGGTCACT[A>G]TTGATCGCTTCAACCGAAAGGTGAGTGCATCAAACAGCCAGCCTCCAGGGCAGGGCCACA-3'
Protein context (NP_001278992.1, residues 2160-2180): NMTHLAHQVT[Ile2170Val]DRFNRKVTVD

ClinVar aggregate classification (germline): Uncertain significance (1 of 4 stars; one submission).

Allele frequency attached by ClinVar (database versions not stated): gnomAD exomes below 0.00001; TOPMed below 0.00001.

Submission:

GeneDx
Classification: Uncertain significance. Last evaluated: 2022-04-22. Review status: criteria provided, single submitter. Criteria: GeneDx Variant Classification Process June 2021. Collection method: clinical testing. Allele origin: germline. Affected: yes.
Comment: Not observed at significant frequency in large population cohorts (gnomAD); In silico analysis supports that this missense variant does not alter protein structure/function; Has not been previously published as pathogenic or benign to our knowledge